The following is an entry in ClinVar:

NM_000218.3(KCNQ1):c.679A>G (p.Ile227Val)

Gene: KCNQ1 (potassium voltage-gated channel subfamily Q member 1; plus strand). Cytogenetic location: 11p15.5.
Variant type: single nucleotide variant.
Coding change: c.679A>G on transcript NM_000218.3 (MANE Select); coding-DNA position 679, A replaced by G.
Protein change: p.Ile227Val; replaces isoleucine 227 with valine.
Molecular consequence: missense variant.
Genome position (GRCh38, 1-based): chr11:2,571,399, A>G. VCF-style: chr11-2571399-A-G. GRCh37 (hg19) VCF-style: chr11-2592629-A-G.
Other names: c.679A>G, p.Ile227Val (NM_001406836.1); c.409A>G, p.Ile137Val (NM_001406837.1); c.298A>G, p.Ile100Val (NM_181798.2); short protein forms I227V, I100V, I137V.
Identifiers: ClinVar variation 1400821 (VCV001400821.9), dbSNP rs794728511, ClinGen allele CA379130719.
Genomic context (GRCh38, chr11:2,571,399, plus strand): 5'-GTGGCCTCCATGGTGGTCCTCTGCGTGGGCTCCAAGGGGCAGGTGTTTGCCACGTCGGCC[A>G]TCAGGTGCGTCTGTGCCACAAGCTCCCCCCGCCATGCCGCCCCACCCCGAGCACCCCTCC-3'
Protein context (NP_000209.2, residues 217-237): SKGQVFATSA[Ile227Val]RGIRFLQILR

ClinVar aggregate classification (germline): Uncertain significance (1 of 4 stars; one submission).

Conditions:
Long QT syndrome (LQTS). Identifiers: MedGen C0023976, MeSH D008133, MONDO:0002442. Disease mechanism: loss of function. Inheritance: Various modes of inheritance.

gnomAD v4.1: 2 of 1,610,846 alleles (0.00012%); highest among the groups gnomAD compares: Non-Finnish European, 0.00017%; no homozygotes.

Submission:

Labcorp Genetics (formerly Invitae), Labcorp
Classification: Uncertain significance for Long QT syndrome. Last evaluated: 2021-03-27. Review status: criteria provided, single submitter. Criteria: Invitae Variant Classification Sherloc (09022015). Collection method: clinical testing. Allele origin: germline.
Comment: In summary, the available evidence is currently insufficient to determine the role of this variant in disease. Therefore, it has been classified as a Variant of Uncertain Significance. Algorithms developed to predict the effect of missense changes on protein structure and function (SIFT, PolyPhen-2, Align-GVGD) all suggest that this variant is likely to be tolerated, but these predictions have not been confirmed by published functional studies and their clinical significance is uncertain. This variant has not been reported in the literature in individuals with KCNQ1-related conditions. This variant is not present in population databases (ExAC no frequency). This sequence change replaces isoleucine with valine at codon 227 of the KCNQ1 protein (p.Ile227Val). The isoleucine residue is highly conserved and there is a small physicochemical difference between isoleucine and valine.